The following is an entry in ClinVar:

NM_018051.5(DYNC2I1):c.2656A>G (p.Ser886Gly)

Gene: DYNC2I1 (dynein 2 intermediate chain 1; plus strand). Cytogenetic location: 7q36.3.
Variant type: single nucleotide variant.
Coding change: c.2656A>G on transcript NM_018051.5 (MANE Select); coding-DNA position 2656, A replaced by G.
Protein change: p.Ser886Gly; replaces serine 886 with glycine.
Molecular consequence: missense variant.
Genome position (GRCh38, 1-based): chr7:158,934,427, A>G. VCF-style: chr7-158934427-A-G. GRCh37 (hg19) VCF-style: chr7-158727118-A-G.
Other names: c.2518A>G, p.Ser840Gly (NM_001350914.2); c.2083A>G, p.Ser695Gly (NM_001350915.2); c.1195A>G, p.Ser399Gly (NM_001350916.2); c.1408A>G, p.Ser470Gly (NM_001350917.2, NM_001350918.2); short protein forms S470G, S886G, S695G, S399G, S840G.
Identifiers: ClinVar variation 2057559 (VCV002057559.4), dbSNP rs777707290, ClinGen allele CA4595068.

ClinVar aggregate classification (germline): Uncertain significance (1 of 4 stars; one submission).

Conditions:
Short-rib thoracic dysplasia 8 with or without polydactyly (SRTD8). Also called: SHORT-RIB THORACIC DYSPLASIA 8 WITH POLYDACTYLY. Identifiers: Orphanet 93271, MedGen C3809691, MONDO:0014214, OMIM 615503.

Allele frequency attached by ClinVar (database versions not stated): gnomAD 0.00001; gnomAD exomes 0.00001; TOPMed 0.00001; ExAC 0.00003.
gnomAD v4.1: 10 of 1,604,214 alleles (0.00062%); highest among the groups gnomAD compares: Admixed American, 0.017%; no homozygotes.

Submission:

Labcorp Genetics (formerly Invitae), Labcorp
Classification: Uncertain significance for Short-rib thoracic dysplasia 8 with or without polydactyly. Last evaluated: 2025-04-11. Review status: criteria provided, single submitter. Criteria: Invitae Variant Classification Sherloc (09022015). Collection method: clinical testing. Allele origin: germline.
Comment: This sequence change replaces serine, which is neutral and polar, with glycine, which is neutral and non-polar, at codon 886 of the WDR60 protein (p.Ser886Gly). This variant is present in population databases (rs777707290, gnomAD 0.02%). This variant has not been reported in the literature in individuals affected with WDR60-related conditions. ClinVar contains an entry for this variant (Variation ID: 2057559). An algorithm developed to predict the effect of missense changes on protein structure and function outputs the following: PolyPhen-2: "Benign". The glycine amino acid residue is found in multiple mammalian species, which suggests that this missense change does not adversely affect protein function. In summary, the available evidence is currently insufficient to determine the role of this variant in disease. Therefore, it has been classified as a Variant of Uncertain Significance.